The following is an entry in ClinVar:

ClinVar aggregate classification (germline): Uncertain significance (1 of 4 stars; one submission).

Conditions:
Monocytopenia with susceptibility to infections. Also called: IMMUNODEFICIENCY 21; GATA2 DEFICIENCY; MONOCYTOPENIA AND MYCOBACTERIAL INFECTION SYNDROME; MONOCYTOPENIA WITH SUSCEPTIBILITY TO MYCOBACTERIAL, FUNGAL, AND PAPILLOMAVIRUS INFECTIONS AND MYELODYSPLASIA; COMBINED IMMUNODEFICIENCY WITH SUSCEPTIBILITY TO MYCOBACTERIAL, VIRAL, AND FUNGAL INFECTIONS; Dendritic cell, monocyte, B lymphocyte, and natural killer lymphocyte deficiency. Identifiers: Orphanet 228423, MedGen C3280030, MONDO:0013607, OMIM 614172.
Deafness-lymphedema-leukemia syndrome. Also called: Lymphedema, primary, with myelodysplasia; Emberger syndrome. Identifiers: Orphanet 3226, MedGen C3279664, MONDO:0013540, OMIM 614038.

Submission:

Labcorp Genetics (formerly Invitae), Labcorp
Classification: Uncertain significance for Monocytopenia with susceptibility to infections; Deafness-lymphedema-leukemia syndrome. Last evaluated: 2018-10-23. Review status: criteria provided, single submitter. Criteria: Invitae Variant Classification Sherloc (09022015). Collection method: clinical testing. Allele origin: germline.
Comment: In summary, the available evidence is currently insufficient to determine the role of this variant in disease. Therefore, it has been classified as a Variant of Uncertain Significance. Algorithms developed to predict the effect of missense changes on protein structure and function are either unavailable or do not agree on the potential impact of this missense change (SIFT: "Deleterious"; PolyPhen-2: "Benign"; Align-GVGD: "Class C0"). This variant has not been reported in the literature in individuals with GATA2-related disease. This variant is not present in population databases (ExAC no frequency). This sequence change replaces tryptophan with arginine at codon 10 of the GATA2 protein (p.Trp10Arg). The tryptophan residue is moderately conserved and there is a moderate physicochemical difference between tryptophan and arginine.

NM_032638.5(GATA2):c.28T>C (p.Trp10Arg)

Gene: GATA2 (GATA binding protein 2; minus strand). Cytogenetic location: 3q21.3.
Variant type: single nucleotide variant.
Coding change: c.28T>C on transcript NM_032638.5 (MANE Select); coding-DNA position 28, T replaced by C.
Protein change: p.Trp10Arg; replaces tryptophan 10 with arginine.
Molecular consequence: missense variant.
Genome position (GRCh38, 1-based): chr3:128,487,004, A>G on the plus strand (T>C on the coding strand, the complement: GATA2 is on the minus strand). VCF-style: chr3-128487004-A-G. GRCh37 (hg19) VCF-style: chr3-128205847-A-G.
Other names: c.28T>C, p.Trp10Arg (NM_001145661.2, NM_001145662.1); short protein forms W10R.
Identifiers: ClinVar variation 656679 (VCV000656679.8), dbSNP rs1576749993, ClinGen allele CA354409249.